The following is an entry in ClinVar:

ClinVar aggregate classification (germline): Uncertain significance. Review status: criteria provided, multiple submitters, no conflicts (2 of 4 stars). 3 submissions from 3 submitters: Uncertain significance (3). Last evaluated 2025-07-02.

Conditions:
Congenital myasthenic syndrome 10. Also called: Myasthenia, limb-girdle, familial. Identifiers: Orphanet 590, MedGen C1850792, MONDO:0009690, OMIM 254300.
DOK7-related disorder. Also called: DOK7-related condition.

Allele frequency attached by ClinVar (database versions not stated): gnomAD exomes 0.00007 and 0.00004; gnomAD 0.00030; ExAC 0.00016; TOPMed 0.00035; 1000 Genomes Project 30x 0.00047.
gnomAD v4.1: 105 of 1,535,936 alleles (0.0068%); highest among the groups gnomAD compares: African/African-American, 0.11%; no homozygotes.

Submissions (3):

PreventionGenetics, part of Exact Sciences
Classification: Uncertain significance for DOK7-related condition. Last evaluated: 2025-07-02. Review status: criteria provided, single submitter. Criteria: ACMG Guidelines, 2015. Collection method: clinical testing. Allele origin: germline.
Comment: The DOK7 c.1594G>A variant is predicted to result in the amino acid substitution p.Glu532Lys. Of note, this variant can also be referred to as c.1594G>A (p.Glu532Lys) with an alternate isoform, NM_001301071. To our knowledge, this variant has not been reported in the literature. This variant is reported in 0.079% of alleles in individuals of African descent in gnomAD. Although we suspect that this variant may be benign, at this time, the clinical significance of this variant is uncertain due to the absence of conclusive functional and genetic evidence.

New York Genome Center
Classification: Uncertain significance for Congenital myasthenic syndrome 10. Last evaluated: 2021-05-21. Review status: criteria provided, single submitter. Criteria: NYGC Assertion Criteria 2020. Collection method: clinical testing. Allele origin: inherited. Observed: 1 variant allele. Study: CSER-NYCKidSeq.

GeneDx
Classification: Uncertain significance. Last evaluated: 2019-10-16. Review status: criteria provided, single submitter. Criteria: GeneDx Variant Classification Process June 2021. Collection method: clinical testing. Allele origin: germline. Affected: yes.
Comment: Not observed at a significant frequency in large population cohorts (Lek et al., 2016); In silico analysis, which includes protein predictors and evolutionary conservation, supports that this variant does not alter protein structure/function; Has not been previously published as pathogenic or benign to our knowledge

NM_001301071.2(DOK7):c.1594G>A (p.Glu532Lys)

Gene: DOK7 (docking protein 7; plus strand). Cytogenetic location: 4p16.3.
Variant type: single nucleotide variant.
Coding change: c.1594G>A on transcript NM_001301071.2; coding-DNA position 1594, G replaced by A.
Protein change: p.Glu532Lys; replaces glutamic acid 532 with lysine.
Molecular consequence: missense variant.
Genome position (GRCh38, 1-based): chr4:3,500,304, G>A. VCF-style: chr4-3500304-G-A. GRCh37 (hg19) VCF-style: chr4-3502031-G-A.
Other names: c.1162G>A, p.Glu388Lys (NM_001363811.2); short protein forms E388K, E532K.
Identifiers: ClinVar variation 1219778 (VCV001219778.7), dbSNP rs754345718, ClinGen allele CA2829623.